The following is an entry in ClinVar:

NM_018053.4(XKR8):c.86C>T (p.Thr29Ile)

Gene: XKR8 (XK related 8; plus strand). Cytogenetic location: 1p35.3.
Variant type: single nucleotide variant.
Coding change: c.86C>T on transcript NM_018053.4 (MANE Select); coding-DNA position 86, C replaced by T.
Protein change: p.Thr29Ile; replaces threonine 29 with isoleucine.
Molecular consequence: missense variant.
Genome position (GRCh38, 1-based): chr1:27,960,155, C>T. VCF-style: chr1-27960155-C-T. GRCh37 (hg19) VCF-style: chr1-28286666-C-T.
Other names: short protein forms T29I.
Identifiers: ClinVar variation 3351145 (VCV003351145.1).
Genomic context (GRCh38, chr1:27,960,155, plus strand): 5'-TCCTTCGGGACCTGGTCCTGGGCGTGCTGGGCACCGCCGCCTTCCTGCTCGACCTGGGCA[C>T]CGACCTGTGGGCCGCCGTCCAGTATGCGCTCGGCGGCCGCTACCTGTGGGCGGCGCTGGT-3'
Protein context (NP_060523.2, residues 19-39): GTAAFLLDLG[Thr29Ile]DLWAAVQYAL

ClinVar aggregate classification (germline): Likely benign (0 of 4 stars; one submission).

Conditions:
XKR8-related condition.

gnomAD v4.1: 4,743 of 1,528,012 alleles (0.31%); highest among the groups gnomAD compares: Non-Finnish European, 0.39%; 16 homozygotes.

Submission:

PreventionGenetics, part of Exact Sciences
Classification: Likely benign for XKR8-related condition. Last evaluated: 2024-08-26. Review status: no assertion criteria provided. Collection method: clinical testing. Allele origin: germline.
Comment: This variant is classified as likely benign based on ACMG/AMP sequence variant interpretation guidelines (Richards et al. 2015 PMID: 25741868, with internal and published modifications).